The following is an entry in ClinVar:

NM_000540.3(RYR1):c.6516C>G (p.Pro2172=)

Gene: RYR1 (ryanodine receptor 1; plus strand). Cytogenetic location: 19q13.2.
Variant type: single nucleotide variant.
Coding change: c.6516C>G on transcript NM_000540.3 (MANE Select); coding-DNA position 6516, C replaced by G.
Protein change: p.Pro2172=; no amino-acid change (proline 2172 retained).
Molecular consequence: synonymous variant.
Genome position (GRCh38, 1-based): chr19:38,494,593, C>G. VCF-style: chr19-38494593-C-G. GRCh37 (hg19) VCF-style: chr19-38985233-C-G.
Other names: c.6516C>G, p.Pro2172= (NM_001042723.2).
Identifiers: ClinVar variation 256534 (VCV000256534.33), dbSNP rs781750510, ClinGen allele CA068320.
Genomic context (GRCh38, chr19:38,494,593, plus strand): 5'-CATGAGCCTGCTCGAGTGCCTCGGCCAGATCCGCTCGCTGCTCATCGTGCAGATGGGCCC[C>G]CAGGAGGAGAACCTCATGATCCAGAGCATCGGGTGAGACACCGCCCTTCCCCCTTACTTT-3'
Protein context (NP_000531.2, residues 2162-2182): IRSLLIVQMG[Pro2172=]QEENLMIQSI

ClinVar aggregate classification (germline): Likely benign. Review status: criteria provided, multiple submitters, no conflicts (2 of 4 stars). 5 submissions from 5 submitters: Likely benign (5). Last evaluated 2025-11-08.

Conditions:
RYR1-related disorder. Also called: RYR1-related disorders; RYR1-related condition. Identifiers: MedGen CN239331.
Malignant hyperthermia, susceptibility to, 1 (MHS1). Also called: Anesthesia related hyperthermia; Malignant hyperpyrexia; Fulminating hyperpyrexia; Pharmacogenic myopathy; RYR1-Related Malignant Hyperthermia Susceptibility; Malignant hyperthermia suceptibility 1. Identifiers: Orphanet 423, MedGen C2930980, MONDO:0007783, OMIM 145600.

Allele frequency attached by ClinVar (database versions not stated): ExAC 0.00001; gnomAD exomes 0.00001; gnomAD 0.00002; TOPMed 0.00002.
gnomAD v4.1: 24 of 1,614,012 alleles (0.0015%); highest among the groups gnomAD compares: Non-Finnish European, 0.002%; no homozygotes.

Submissions (5):

Labcorp Genetics (formerly Invitae), Labcorp
Classification: Likely benign for RYR1-related disorder. Last evaluated: 2025-11-08. Review status: criteria provided, single submitter. Criteria: Invitae Variant Classification Sherloc (09022015). Collection method: clinical testing. Allele origin: germline.

All of Us Research Program, National Institutes of Health
Classification: Likely benign for Malignant hyperthermia, susceptibility to, 1. Last evaluated: 2024-07-29. Review status: criteria provided, single submitter. Criteria: ACMG Guidelines, 2015. Collection method: clinical testing. Allele origin: germline. Inheritance: Autosomal dominant inheritance. Observed: 10 variant alleles, 10 heterozygotes.
Comment: This study involves interpretation of variants in research participants for the purpose of population health screening. Participant phenotype was not available at the time of variant classification. Additional details can be found in publication PMID: 35346344, PMCID: PMC8962531

CeGaT Center for Human Genetics Tuebingen
Classification: Likely benign. Last evaluated: 2024-03-01. Review status: criteria provided, single submitter. Criteria: CeGaT Center For Human Genetics Tuebingen Variant Classification Criteria Version 2. Collection method: clinical testing. Allele origin: germline. Affected: yes. Observed: 1 variant allele.
Comment: RYR1: BP4, BP7

Color Diagnostics, LLC DBA Color Health
Classification: Likely benign for Malignant hyperthermia, susceptibility to, 1. Last evaluated: 2022-09-16. Review status: criteria provided, single submitter. Criteria: ACMG Guidelines, 2015. Collection method: clinical testing. Allele origin: germline.

PreventionGenetics, part of Exact Sciences
Classification: Likely benign. Review status: criteria provided, single submitter. Criteria: ACMG Guidelines, 2015. Collection method: clinical testing. Allele origin: germline.